The following is an entry in ClinVar:

ClinVar aggregate classification (germline): Conflicting classifications of pathogenicity. Review status: criteria provided, conflicting classifications (1 of 4 stars). 8 submissions from 8 submitters: Uncertain significance (1); Benign (1); Likely benign (5). 1 of the submissions does not count toward it. Last evaluated 2025-12-03.

Conditions:
TSC2-related disorder. Also called: TSC2-Related Disorders; TSC2-related condition.
Hereditary cancer-predisposing syndrome. Also called: Neoplastic Syndromes, Hereditary; Tumor predisposition; Hereditary neoplastic syndrome; Hereditary Cancer Syndrome. Identifiers: Orphanet 140162, MedGen C0027672, MeSH D009386, MONDO:0015356.
Tuberous sclerosis syndrome (TSC). Also called: Tuberous Sclerosis Complex; Tuberous sclerosis. Identifiers: Orphanet 805, MedGen C0041341, MONDO:0001734.
Tuberous sclerosis 2 (TSC2). Identifiers: Orphanet 805, MedGen C1860707, MONDO:0013199, OMIM 613254.

Allele frequency attached by ClinVar (database versions not stated): gnomAD below 0.00001 and 0.00001; gnomAD exomes 0.00001; ExAC 0.00002.
gnomAD v4.1: 12 of 1,614,046 alleles (0.00074%); highest among the groups gnomAD compares: South Asian, 0.0044%; no homozygotes.

Submissions (8):

Labcorp Genetics (formerly Invitae), Labcorp
Classification: Likely benign for Tuberous sclerosis 2. Last evaluated: 2025-12-03. Review status: criteria provided, single submitter. Criteria: Invitae Variant Classification Sherloc (09022015). Collection method: clinical testing. Allele origin: germline.

Myriad Genetics, Inc.
Classification: Benign for Tuberous sclerosis 2. Last evaluated: 2025-05-13. Review status: criteria provided, single submitter. Criteria: Myriad Autosomal Dominant, Autosomal Recessive and X-Linked Classification Criteria (2023). Collection method: clinical testing. Allele origin: unknown.
Comment: This variant is considered benign. This variant is a silent/synonymous amino acid change and it is not expected to impact splicing.

All of Us Research Program, National Institutes of Health
Classification: Likely benign for Tuberous sclerosis syndrome. Last evaluated: 2023-11-20. Review status: criteria provided, single submitter. Criteria: ACMG Guidelines, 2015. Collection method: clinical testing. Allele origin: germline. Inheritance: Autosomal dominant inheritance. Observed: 1 variant allele, 1 heterozygote.
Comment: This study involves interpretation of variants in research participants for the purpose of population health screening. Participant phenotype was not available at the time of variant classification. Additional details can be found in publication PMID: 35346344, PMCID: PMC8962531

Color Diagnostics, LLC DBA Color Health
Classification: Likely benign for Tuberous sclerosis syndrome. Last evaluated: 2023-11-01. Review status: criteria provided, single submitter. Criteria: ACMG Guidelines, 2015. Collection method: clinical testing. Allele origin: germline.

Genome-Nilou Lab
Classification: Likely benign for Tuberous sclerosis 2. Last evaluated: 2021-11-07. Review status: criteria provided, single submitter. Criteria: ACMG Guidelines, 2015. Collection method: clinical testing. Allele origin: germline. Affected: no.

Ambry Genetics
Classification: Likely benign for Hereditary cancer-predisposing syndrome. Last evaluated: 2019-09-13. Review status: criteria provided, single submitter. Criteria: Ambry Variant Classification Scheme 2023. Collection method: clinical testing. Allele origin: germline.

Eurofins Ntd Llc (ga)
Classification: Uncertain significance. Last evaluated: 2016-05-06. Review status: criteria provided, single submitter. Criteria: EGL Classification Definitions 2015. Collection method: clinical testing. Allele origin: germline. Observed: 1 variant allele, 1 heterozygote.

PreventionGenetics, part of Exact Sciences
Classification: Likely benign for TSC2-related condition. Last evaluated: 2019-03-13. Review status: no assertion criteria provided. Collection method: clinical testing. Allele origin: germline. Not counted in ClinVar's aggregate classification.
Comment: This variant is classified as likely benign based on ACMG/AMP sequence variant interpretation guidelines (Richards et al. 2015 PMID: 25741868, with internal and published modifications).

NM_000548.5(TSC2):c.1134G>A (p.Pro378=)

Gene: TSC2 (TSC complex subunit 2; plus strand). Cytogenetic location: 16p13.3.
Variant type: single nucleotide variant.
Coding change: c.1134G>A on transcript NM_000548.5 (MANE Select); coding-DNA position 1134, G replaced by A.
Protein change: p.Pro378=; no amino-acid change (proline 378 retained).
Molecular consequence: synonymous variant.
Genome position (GRCh38, 1-based): chr16:2,061,885, G>A. VCF-style: chr16-2061885-G-A. GRCh37 (hg19) VCF-style: chr16-2111886-G-A.
Other names: c.1134G>A, p.Pro378= (NM_001077183.3, NM_001114382.3, NM_001363528.2 and 3 more transcripts); c.1023G>A, p.Pro341= (NM_001318827.2); c.987G>A, p.Pro329= (NM_001318829.2); c.534G>A, p.Pro178= (NM_001318831.2); c.1167G>A, p.Pro389= (NM_001318832.2); c.1134G>A (NM_000548.4).
Identifiers: ClinVar variation 287554 (VCV000287554.24), dbSNP rs754343186, ClinGen allele CA028565.